The following is an entry in ClinVar:

NM_032382.5(COG8):c.888_890del (p.Glu296del)

Gene: COG8 (component of oligomeric golgi complex 8; minus strand). Cytogenetic location: 16q22.1.
Variant type: Deletion.
Coding change: c.888_890del on transcript NM_032382.5 (MANE Select); coding-DNA positions 888 to 890, 3 bases deleted (GGA; older notation c.888_890delGGA).
Protein change: p.Glu296del; deletes glutamic acid 296.
Molecular consequence: inframe deletion.
Genome position (GRCh38, 1-based): chr16:69,335,044-69,335,046, TCC deleted on the plus strand (GGA on the coding strand, the reverse complement: COG8 is on the minus strand); deleting any 3 consecutive bases within chr16:69,335,044-69,335,048 gives the same sequence; the c. name uses the placement nearest the transcript's 3' end. VCF-style (leftmost placement, unchanged base first): chr16-69335043-GTCC-G. GRCh37 (hg19) VCF-style: chr16-69368946-GTCC-G.
Other names: c.888_890del, p.Glu296del (NM_001374871.1, NM_001379261.1, NM_001379262.1 and 4 more transcripts); short protein forms E296del.
Identifiers: ClinVar variation 1806165 (VCV001806165.2), dbSNP rs752032788, ClinGen allele CA8133840.
Genomic context (GRCh38, chr16:69,335,043, plus strand): 5'-GCCATGGAAGATGGCACTCTCATTCACAGTGTGCTCACCCATGGCAGGGGGCAGCAGTGG[GTCC>G]TCGTCTGAGAAGATGGCACGGTACTGGGTGATGATATCAAAGAGATGGACACGGGAGGCC-3'

ClinVar aggregate classification (germline): Uncertain significance. Review status: criteria provided, multiple submitters, no conflicts (2 of 4 stars). 2 submissions from 2 submitters: Uncertain significance (2). Last evaluated 2022-01-27.

Conditions:
COG8-congenital disorder of glycosylation. Also called: CDG IIh; COG8-CDG. Identifiers: Orphanet 95428, MedGen C1970021, MONDO:0012635, OMIM 611182.

Submissions (2):

Blueprint Genetics
Classification: Uncertain significance. Last evaluated: 2022-01-27. Review status: criteria provided, single submitter. Criteria: ACMG Guidelines, 2015. Collection method: clinical testing. Allele origin: germline.

Victorian Clinical Genetics Services, Murdoch Childrens Research Institute
Classification: Uncertain significance for COG8-congenital disorder of glycosylation. Last evaluated: 2021-05-06. Review status: criteria provided, single submitter. Criteria: ACMG Guidelines, 2015. Collection method: clinical testing. Allele origin: germline. Inheritance: Autosomal recessive inheritance.
Comment: Based on the classification scheme VCGS_Germline_v1.3.4, this variant is classified as VUS-3B. Following criteria are met: 0102 - Loss of function is a known mechanism of disease in this gene and is associated with congenital disorder of glycosylation, type IIh (MIM#611182). (I) 0106 - This gene is associated with autosomal recessive disease. (I) 0213 - In-frame deletion in a non-repetitive region that has moderate conservation. (SP) 0251 - This variant is heterozygous. (I) 0304 - Variant is present in gnomAD (v2) <0.01 for a recessive condition (7 heterozygotes, 0 homozygotes). (SP) 0309 - An alternative amino acid change at the same position has been observed in gnomAD (v2) (97 heterozygotes, 1 homozygote). (I) 0600 - Variant is located in the annotated Dor1-like domain (PDB, NCBI). (I) 0705 - No comparable inframe deletion variants have previous evidence for pathogenicity. A missense variant at the same position (p.Glu296Lys) has been previously reported as a VUS (ClinVar). (I) 0807 - This variant has no previous evidence of pathogenicity. (I) 0905 - No published segregation evidence has been identified for this variant. (I) 1007 - No published functional evidence has been identified for this variant. (I) 1208 - Inheritance information for this variant is not currently available in this individual. (I) Legend: (SP) - Supporting pathogenic, (I) - Information, (SB) - Supporting benign